The following is an entry in ClinVar:

NM_001018005.2(TPM1):c.238G>A (p.Asp80Asn)

Gene: TPM1 (tropomyosin 1; plus strand). Cytogenetic location: 15q22.2.
Variant type: single nucleotide variant.
Coding change: c.238G>A on transcript NM_001018005.2 (MANE Select); coding-DNA position 238, G replaced by A.
Protein change: p.Asp80Asn; replaces aspartic acid 80 with asparagine.
Molecular consequence: missense variant. On other transcripts: intron variant (3).
Genome position (GRCh38, 1-based): chr15:63,044,150, G>A. VCF-style: chr15-63044150-G-A. GRCh37 (hg19) VCF-style: chr15-63336349-G-A.
Other names: c.238G>A, p.Asp80Asn (NM_001365779.1, NM_001407325.1, NM_001407326.1 and 10 more transcripts); c.364G>A, p.Asp122Asn (NM_001407322.1, NM_001407323.1, NM_001407324.1 and 1 more transcripts); c.240+319G>A (NM_001018020.2, NM_001018007.2, NM_001301244.2); short protein forms D122N, D80N.
Identifiers: ClinVar variation 1790551 (VCV001790551.5), dbSNP rs2542432821, ClinGen allele CA392718748.

ClinVar aggregate classification (germline): Uncertain significance. Review status: criteria provided, multiple submitters, no conflicts (2 of 4 stars). 2 submissions from 2 submitters: Uncertain significance (2). Last evaluated 2026-01-19.

Conditions:
Cardiovascular phenotype. Identifiers: MedGen CN230736.
Hypertrophic cardiomyopathy. Also called: HYPERTROPHIC MYOCARDIOPATHY. Identifiers: Orphanet 217569, MedGen C0007194, MeSH D002312, MONDO:0005045, HP:0001639.

Submissions (2):

Labcorp Genetics (formerly Invitae), Labcorp
Classification: Uncertain significance for Hypertrophic cardiomyopathy. Last evaluated: 2026-01-19. Review status: criteria provided, single submitter. Criteria: Invitae Variant Classification Sherloc (09022015). Collection method: clinical testing. Allele origin: germline.
Comment: This sequence change replaces aspartic acid, which is acidic and polar, with asparagine, which is neutral and polar, at codon 80 of the TPM1 protein (p.Asp80Asn). This variant is not present in population databases (gnomAD no frequency). This missense change has been observed in individual(s) with dilated cardiomyopathy (PMID: 32969603). ClinVar contains an entry for this variant (Variation ID: 1790551). An algorithm developed to predict the effect of missense changes on protein structure and function (PolyPhen-2) suggests that this variant is likely to be tolerated. In summary, the available evidence is currently insufficient to determine the role of this variant in disease. Therefore, it has been classified as a Variant of Uncertain Significance.

Ambry Genetics
Classification: Uncertain significance for Cardiovascular phenotype. Last evaluated: 2020-12-21. Review status: criteria provided, single submitter. Criteria: Ambry Variant Classification Scheme 2023. Collection method: clinical testing. Allele origin: germline.
Comment: The p.D80N variant (also known as c.238G>A), located in coding exon 2 of the TPM1 gene, results from a G to A substitution at nucleotide position 238. The aspartic acid at codon 80 is replaced by asparagine, an amino acid with highly similar properties. This amino acid position is highly conserved in available vertebrate species. In addition, this alteration is predicted to be tolerated by in silico analysis. Since supporting evidence is limited at this time, the clinical significance of this alteration remains unclear.

Literature cited by the submitters: PubMed 32969603 (cited by Labcorp Genetics (formerly Invitae), Labcorp).